The following is an entry in ClinVar:

NM_001365951.3(KIF1B):c.3122T>A (p.Phe1041Tyr)

Gene: KIF1B (kinesin family member 1B; plus strand). Cytogenetic location: 1p36.22.
Variant type: single nucleotide variant.
Coding change: c.3122T>A on transcript NM_001365951.3 (MANE Select); coding-DNA position 3122, T replaced by A.
Protein change: p.Phe1041Tyr; replaces phenylalanine 1041 with tyrosine.
Molecular consequence: missense variant.
Genome position (GRCh38, 1-based): chr1:10,336,735, T>A. VCF-style: chr1-10336735-T-A. GRCh37 (hg19) VCF-style: chr1-10396793-T-A.
Other names: c.3122T>A, p.Phe1041Tyr (NM_001365952.1); c.2984T>A, p.Phe995Tyr (NM_015074.3); short protein forms F1041Y, F995Y.
Identifiers: ClinVar variation 4844683 (VCV004844683.1).
Genomic context (GRCh38, chr1:10,336,735, plus strand): 5'-ATTATGGCTCTGGAATTCGACAGTCAGGAACAGCTAAAATATCTTTTGATAATGAATACT[T>A]TAATCAGGTGAGAAACCGTCAGGAAGAAGGAAAACCCTGTGGAAAGAGAAAGAATGTTCA-3'
Protein context (NP_001352880.1, residues 1031-1051): TAKISFDNEY[Phe1041Tyr]NQSDFSSVAM

ClinVar aggregate classification (germline): Uncertain significance (1 of 4 stars; one submission).

gnomAD v4.1: 1 of 1,611,396 alleles (0.000062%); highest among the groups gnomAD compares: Non-Finnish European, 0.000085%; no homozygotes.

Submission:

Ambry Genetics
Classification: Uncertain significance. Last evaluated: 2026-02-16. Review status: criteria provided, single submitter. Criteria: Ambry Variant Classification Scheme 2023. Collection method: clinical testing. Allele origin: germline.
Comment: The p.F995Y variant (also known as c.2984T>A), located in coding exon 26 of the KIF1B gene, results from a T to A substitution at nucleotide position 2984. The phenylalanine at codon 995 is replaced by tyrosine, an amino acid with highly similar properties. This amino acid position is conserved. In addition, the in silico prediction for this alteration is inconclusive. Based on the available evidence, the clinical significance of this variant remains unclear.